The following is an entry in ClinVar:

ClinVar aggregate classification (germline): Conflicting classifications of pathogenicity. Review status: criteria provided, conflicting classifications (1 of 4 stars). 2 submissions from 2 submitters: Pathogenic (1); Uncertain significance (1). Last evaluated 2025-03-24.

Conditions:
Nemaline myopathy. Also called: Myopathies, Nemaline. Identifiers: Orphanet 607, MedGen C0206157, MONDO:0018958.
Nemaline myopathy 2 (NEM2). Also called: Nemaline myopathy 2, autosomal recessive. Identifiers: MedGen C1850569, MONDO:0009725, OMIM 256030.

Allele frequency attached by ClinVar (database versions not stated): gnomAD exomes below 0.00001.

Submissions (2):

Broad Center for Mendelian Genomics, Broad Institute of MIT and Harvard
Classification: Pathogenic for Nemaline myopathy. Last evaluated: 2025-03-24. Review status: criteria provided, single submitter. Criteria: ACMG Guidelines, 2015. Collection method: curation. Allele origin: germline. Inheritance: Autosomal recessive inheritance.
Comment: The c.36+2dup variant in NEB has been reported, in the compound heterozygous state, in one individual with nemaline myopathy (PMID: 21350120), and has been identified in 0.0003% (4/1174288) of European (non-Finnish) chromosomes by the Genome Aggregation Database (gnomAD). Although this variant has been seen in the general population in a heterozygous state, its frequency is low enough to be consistent with a recessive carrier frequency. This variant is located in the 3' splice region. Computational tools predict a splicing impact, though this information is not predictive enough to determine pathogenicity. cDNA analysis shows evidence of in-frame exon skipping of the first coding exon. Loss of function of the NEB gene is an established disease mechanism in autosomal recessive nemaline myopathy. The phenotype of an individual heterozygous for this variant is highly specific for nemaline myopathy based on the presence of nemaline rods on a muscle biopsy consistent with disease (PMID: 27105866). In summary, this variant meets criteria to be classified as pathogenic for autosomal recessive nemaline myopathy. ACMG/AMP Criteria applied: PVS1, PP4, PM2_supporting (Richards 2015).

Labcorp Genetics (formerly Invitae), Labcorp
Classification: Uncertain significance for Nemaline myopathy 2. Last evaluated: 2023-03-08. Review status: criteria provided, single submitter. Criteria: Invitae Variant Classification Sherloc (09022015). Collection method: clinical testing. Allele origin: germline.
Comment: In summary, the available evidence is currently insufficient to determine the role of this variant in disease. Therefore, it has been classified as a Variant of Uncertain Significance. Variants that disrupt the consensus splice site are a relatively common cause of aberrant splicing (PMID: 17576681, 9536098). Studies have shown that this variant results in skipping of exon 3, and is expected to result in the loss of the initiator methionine (PMID: 21350120). This variant has been observed in individual(s) with nemaline myopathy (PMID: 21350120). This variant is not present in population databases (gnomAD no frequency). This sequence change falls in intron 3 of the NEB gene. It does not directly change the encoded amino acid sequence of the NEB protein. RNA analysis indicates that this variant induces altered splicing and is likely to result in the loss of the initiator methionine.

Literature cited by the submitters: PubMed 17576681 (cited by Labcorp Genetics (formerly Invitae), Labcorp); PubMed 9536098 (cited by Labcorp Genetics (formerly Invitae), Labcorp); PubMed 21350120 (cited by Labcorp Genetics (formerly Invitae), Labcorp).

NM_001164508.2(NEB):c.36+2dup

Gene: NEB (nebulin; minus strand). Cytogenetic location: 2q23.3.
Variant type: Duplication.
Coding change: c.36+2dup on transcript NM_001164508.2 (MANE Select); the canonical splice donor site of the intron after coding-DNA position 36, one base duplicated (T; older notation c.36+2dupT).
Molecular consequence: splice donor variant.
Genome position (GRCh38, 1-based): chr2:151,733,119, A duplicated on the plus strand (T on the coding strand, the reverse complement: NEB is on the minus strand). VCF-style (leftmost placement, unchanged base first): chr2-151733118-T-TA. GRCh37 (hg19) VCF-style: chr2-152589632-T-TA.
Other names: c.36+2dup (NM_004543.5, NM_001164507.2, NM_001271208.2).
Identifiers: ClinVar variation 2859685 (VCV002859685.4), dbSNP rs2552281533, ClinGen allele CA2577123395.